The following is an entry in ClinVar:

NM_002582.4(PARN):c.24dup (p.Lys9Ter)

Gene: PARN (poly(A)-specific ribonuclease; minus strand). Cytogenetic location: 16p13.12.
Variant type: Duplication.
Coding change: c.24dup on transcript NM_002582.4 (MANE Select); coding-DNA position 24, one base duplicated (T; older notation c.24dupT).
Protein change: p.Lys9Ter; replaces lysine 9 with a stop codon.
Molecular consequence: nonsense. On other transcripts: 5 prime UTR variant (1).
Genome position (GRCh38, 1-based): chr16:14,629,670, A duplicated on the plus strand (T on the coding strand, the reverse complement: PARN is on the minus strand); the first of 4 consecutive A bases (chr16:14,629,670-14,629,673); duplicating any one gives the same sequence. VCF-style (leftmost placement, unchanged base first): chr16-14629669-T-TA. GRCh37 (hg19) VCF-style: chr16-14723526-T-TA.
Other names: c.-160dup (NM_001134477.3); c.24dup, p.Lys9Ter (NM_001242992.2); short protein forms K9*.
Identifiers: ClinVar variation 3747959 (VCV003747959.2).

ClinVar aggregate classification (germline): Pathogenic (1 of 4 stars; one submission).

Conditions:
Dyskeratosis congenita, autosomal recessive 6 (DKCB6). Identifiers: MedGen C4225356, MONDO:0014600, OMIM 616353.
Pulmonary fibrosis and/or bone marrow failure, Telomere-related, 4. Also called: PULMONARY FIBROSIS AND/OR BONE MARROW FAILURE SYNDROME, TELOMERE-RELATED, 4. Identifiers: Orphanet 2032, MedGen C4225347, MONDO:0014612, OMIM 616371.

Submission:

Labcorp Genetics (formerly Invitae), Labcorp
Classification: Pathogenic for Dyskeratosis congenita, autosomal recessive 6; Pulmonary fibrosis and/or bone marrow failure, Telomere-related, 4. Last evaluated: 2025-04-14. Review status: criteria provided, single submitter. Criteria: Invitae Variant Classification Sherloc (09022015). Collection method: clinical testing. Allele origin: germline.
Comment: This sequence change creates a premature translational stop signal (p.Lys9*) in the PARN gene. It is expected to result in an absent or disrupted protein product. Loss-of-function variants in PARN are known to be pathogenic (PMID: 9736620, 25848748, 26810774). This variant is not present in population databases (gnomAD no frequency). This variant has not been reported in the literature in individuals affected with PARN-related conditions. ClinVar contains an entry for this variant (Variation ID: 3747959). For these reasons, this variant has been classified as Pathogenic.

Literature cited by the submitters: PubMed 9736620; PubMed 25848748; PubMed 26810774.